The following is an entry in ClinVar:

NM_024675.4(PALB2):c.1937G>T (p.Arg646Ile)

Gene: PALB2 (partner and localizer of BRCA2; minus strand). Cytogenetic location: 16p12.2.
Variant type: single nucleotide variant.
Coding change: c.1937G>T on transcript NM_024675.4 (MANE Select); coding-DNA position 1937, G replaced by T.
Protein change: p.Arg646Ile; replaces arginine 646 with isoleucine.
Molecular consequence: missense variant.
Genome position (GRCh38, 1-based): chr16:23,630,217, C>A on the plus strand (G>T on the coding strand, the complement: PALB2 is on the minus strand). VCF-style: chr16-23630217-C-A. GRCh37 (hg19) VCF-style: chr16-23641538-C-A.
Other names: short protein forms R646I.
Identifiers: ClinVar variation 926771 (VCV000926771.16), dbSNP rs1966863262, ClinGen allele CA395127447.
Genomic context (GRCh38, chr16:23,630,217, plus strand): 5'-GTATCCATGCGTTTAGGACTCAGTTCCTCTGGAAAAATACAGCTTCCCTCTTTAAGATGT[C>A]TCTCTCCAAACATTTTTGACTCAAAGGGCTCCACTGGTTTTTCTGAGCAGGACTTCACTT-3'
Protein context (NP_078951.2, residues 636-656): EPFESKMFGE[Arg646Ile]HLKEGSCIFP

ClinVar aggregate classification (germline): Conflicting classifications of pathogenicity. Review status: criteria provided, conflicting classifications (1 of 4 stars). 3 submissions from 3 submitters: Uncertain significance (2); Likely benign (1). Last evaluated 2026-07-23.

Conditions:
Hereditary cancer-predisposing syndrome. Also called: Neoplastic Syndromes, Hereditary; Hereditary Cancer Syndrome; Tumor predisposition; Hereditary neoplastic syndrome. Identifiers: Orphanet 140162, MedGen C0027672, MeSH D009386, MONDO:0015356.
Familial cancer of breast. Also called: Hereditary breast cancer; BREAST CANCER, FAMILIAL; hereditary breast carcinoma. Identifiers: Orphanet 227535, MedGen C0346153, MONDO:0016419, OMIM 114480. Disease mechanism: loss of function.

Submissions (3):

Ambry Genetics
Classification: Likely benign for Hereditary cancer-predisposing syndrome. Last evaluated: 2026-07-23. Review status: criteria provided, single submitter. Criteria: Ambry Variant Classification Scheme 2023. Collection method: clinical testing. Allele origin: germline.

Labcorp Genetics (formerly Invitae), Labcorp
Classification: Uncertain significance for Familial cancer of breast. Last evaluated: 2024-05-19. Review status: criteria provided, single submitter. Criteria: Invitae Variant Classification Sherloc (09022015). Collection method: clinical testing. Allele origin: germline.
Comment: This sequence change replaces arginine, which is basic and polar, with isoleucine, which is neutral and non-polar, at codon 646 of the PALB2 protein (p.Arg646Ile). This variant is not present in population databases (gnomAD no frequency). This variant has not been reported in the literature in individuals affected with PALB2-related conditions. ClinVar contains an entry for this variant (Variation ID: 926771). Advanced modeling of protein sequence and biophysical properties (such as structural, functional, and spatial information, amino acid conservation, physicochemical variation, residue mobility, and thermodynamic stability) performed at Invitae indicates that this missense variant is expected to disrupt PALB2 protein function with a positive predictive value of 80%. In summary, the available evidence is currently insufficient to determine the role of this variant in disease. Therefore, it has been classified as a Variant of Uncertain Significance.

Color Diagnostics, LLC DBA Color Health
Classification: Uncertain significance for Hereditary cancer-predisposing syndrome. Last evaluated: 2024-03-07. Review status: criteria provided, single submitter. Criteria: ACMG Guidelines, 2015. Collection method: clinical testing. Allele origin: germline.
Comment: This missense variant replaces arginine with isoleucine at codon 646 of the PALB2 protein. Computational prediction tool suggests that this variant may not impact protein structure and function (internally defined REVEL score threshold <=0.5, PMID: 27666373). Splice site prediction tools suggest that this variant may not impact RNA splicing. To our knowledge, functional studies have not been performed for this variant. This variant has not been reported in individuals affected with hereditary cancer in the literature. This variant has not been identified in the general population by the Genome Aggregation Database (gnomAD). The available evidence is insufficient to determine the role of this variant in disease conclusively. Therefore, this variant is classified as a Variant of Uncertain Significance.